The following is an entry in ClinVar:

ClinVar aggregate classification (germline): Uncertain significance (1 of 4 stars; one submission).

Allele frequency attached by ClinVar (database versions not stated): gnomAD exomes below 0.00001; TOPMed below 0.00001; gnomAD 0.00001; 1000 Genomes Project 30x 0.00016.
gnomAD v4.1: 2 of 1,480,654 alleles (0.00014%); highest among the groups gnomAD compares: African/African-American, 0.0029%; no homozygotes.

Submission:

Labcorp Genetics (formerly Invitae), Labcorp
Classification: Uncertain significance. Last evaluated: 2022-11-01. Review status: criteria provided, single submitter. Criteria: Invitae Variant Classification Sherloc (09022015). Collection method: clinical testing. Allele origin: germline.
Comment: This variant has not been reported in the literature in individuals affected with PDZD7-related conditions. This sequence change replaces leucine, which is neutral and non-polar, with proline, which is neutral and non-polar, at codon 756 of the PDZD7 protein (p.Leu756Pro). This variant is not present in population databases (gnomAD no frequency). Advanced modeling of protein sequence and biophysical properties (such as structural, functional, and spatial information, amino acid conservation, physicochemical variation, residue mobility, and thermodynamic stability) performed at Invitae indicates that this missense variant is not expected to disrupt PDZD7 protein function. In summary, the available evidence is currently insufficient to determine the role of this variant in disease. Therefore, it has been classified as a Variant of Uncertain Significance.

NM_001195263.2(PDZD7):c.2267T>C (p.Leu756Pro)

Gene: PDZD7 (PDZ domain containing 7; minus strand). Cytogenetic location: 10q24.31.
Variant type: single nucleotide variant.
Coding change: c.2267T>C on transcript NM_001195263.2 (MANE Select); coding-DNA position 2267, T replaced by C.
Protein change: p.Leu756Pro; replaces leucine 756 with proline.
Molecular consequence: missense variant.
Genome position (GRCh38, 1-based): chr10:101,010,622, A>G on the plus strand (T>C on the coding strand, the complement: PDZD7 is on the minus strand). VCF-style: chr10-101010622-A-G. GRCh37 (hg19) VCF-style: chr10-102770379-A-G.
Other names: short protein forms L756P.
Identifiers: ClinVar variation 2006758 (VCV002006758.4), dbSNP rs1420177886, ClinGen allele CA378224744.